The following is an entry in ClinVar:

NM_005917.4(MDH1):c.114T>C (p.Leu38=)

Genes: MDH1 (malate dehydrogenase 1; plus strand), WDPCP (WD repeat containing planar cell polarity effector; minus strand). Cytogenetic location: 2p15.
Variant type: single nucleotide variant.
Coding change: c.114T>C on transcript NM_005917.4 (MANE Select); coding-DNA position 114, T replaced by C.
Protein change: p.Leu38=; no amino-acid change (leucine 38 retained).
Molecular consequence: synonymous variant. On other transcripts: intron variant (1).
Genome position (GRCh38, 1-based): chr2:63,595,434, T>C. VCF-style: chr2-63595434-T-C. GRCh37 (hg19) VCF-style: chr2-63822568-T-C.
Other names: c.-69+848T>C (NM_001199112.2); c.168T>C, p.Leu56= (NM_001199111.2); c.114T>C, p.Leu38= (NM_001316374.2).
Identifiers: ClinVar variation 2650997 (VCV002650997.24), dbSNP rs2468606865, ClinGen allele CA426394269.
Genomic context (GRCh38, chr2:63,595,434, plus strand): 5'-CTAAATGAAATAGCCTACACTAACAGATGCTGTCCTTGCTATTTGGTAGCCTATAATTCT[T>C]GTGCTGTTGGATATCACCCCCATGATGGGTGTCCTGGACGGTGTCCTAATGGAACTGCAA-3'
Protein context (NP_005908.1, residues 28-48): SVFGKDQPII[Leu38=]VLLDITPMMG

ClinVar aggregate classification (germline): Likely benign (1 of 4 stars; one submission).

Allele frequency attached by ClinVar (database versions not stated): gnomAD exomes below 0.00001.
gnomAD v4.1: 1 of 1,607,586 alleles (0.000062%); highest among the groups gnomAD compares: Non-Finnish European, 0.000085%; no homozygotes.

Submission:

CeGaT Center for Human Genetics Tuebingen
Classification: Likely benign. Last evaluated: 2023-10-01. Review status: criteria provided, single submitter. Criteria: CeGaT Center For Human Genetics Tuebingen Variant Classification Criteria Version 2. Collection method: clinical testing. Allele origin: germline. Affected: yes. Observed: 1 variant allele.
Comment: MDH1: PM2:Supporting, BP4, BP7